The following is an entry in ClinVar:

NM_030632.3(ASXL3):c.3039+2T>G

Gene: ASXL3 (ASXL transcriptional regulator 3; plus strand). Cytogenetic location: 18q12.1.
Variant type: single nucleotide variant.
Coding change: c.3039+2T>G on transcript NM_030632.3 (MANE Select); the canonical splice donor site of the intron after coding-DNA position 3039, T replaced by G.
Molecular consequence: splice donor variant.
Genome position (GRCh38, 1-based): chr18:33,740,445, T>G. VCF-style: chr18-33740445-T-G. GRCh37 (hg19) VCF-style: chr18-31320409-T-G.
Identifiers: ClinVar variation 931362 (VCV000931362.3), dbSNP rs1555743005, ClinGen allele CA402182266.

ClinVar aggregate classification (germline): Pathogenic (1 of 4 stars; one submission).

Conditions:
Bainbridge-Ropers syndrome. Also called: Severe feeding difficulties-failure to thrive-microcephaly due to ASXL3 deficiency syndrome. Identifiers: Orphanet 352577, MedGen C4750837, MONDO:0014205, OMIM 615485.

Submission:

Centre for Mendelian Genomics, University Medical Centre Ljubljana
Classification: Pathogenic for Bainbridge-Ropers syndrome. Last evaluated: 2019-02-22. Review status: criteria provided, single submitter. Criteria: ACMG Guidelines, 2015. Collection method: clinical testing. Allele origin: unknown. Affected: yes.
Comment: This variant was classified as: Pathogenic. The following ACMG criteria were applied in classifying this variant: PVS1,PM2.